The following is an entry in ClinVar:

NM_000052.7(ATP7A):c.1329del (p.Leu444fs)

Gene: ATP7A (ATPase copper transporting alpha; plus strand). Cytogenetic location: Xq21.1.
Variant type: Deletion.
Coding change: c.1329del on transcript NM_000052.7 (MANE Select); coding-DNA position 1329, one base deleted (C; older notation c.1329delC).
Protein change: p.Leu444fs; shifts the reading frame from leucine 444.
Molecular consequence: frameshift variant.
Genome position (GRCh38, 1-based): chrX:77,989,951, C deleted; the last of 2 consecutive C bases (chrX:77,989,950-77,989,951); deleting either gives the same sequence. VCF-style (leftmost placement, unchanged base first): chrX-77989949-AC-A. GRCh37 (hg19) VCF-style: chrX-77245445-AC-A.
Other names: c.1329del, p.Leu444fs (NM_001282224.2); short protein forms L444fs.
Identifiers: ClinVar variation 1683304 (VCV001683304.2), dbSNP rs2149083474, ClinGen allele CA2573159566.

ClinVar aggregate classification (germline): Likely pathogenic. Review status: criteria provided, single submitter (1 of 4 stars). 2 submissions from 2 submitters: Likely pathogenic (1). 1 of the submissions does not count toward it. Last evaluated 2022-04-07.

Conditions:
Menkes kinky-hair syndrome (MNK). Also called: Copper transport disease; Classic Menkes Disease; Menkes Disease. Identifiers: Orphanet 565, MedGen C0022716, MONDO:0010651, OMIM 309400.

Submissions (2):

Women's Health and Genetics/Laboratory Corporation of America, LabCorp
Classification: Likely pathogenic for Menkes kinky-hair syndrome. Last evaluated: 2022-04-07. Review status: criteria provided, single submitter. Criteria: LabCorp Variant Classification Summary - May 2015. Collection method: clinical testing. Allele origin: germline.
Comment: Variant summary: ATP7A c.1329delC (p.Leu444CysfsX9) results in a premature termination codon, predicted to cause a truncation of the encoded protein or absence of the protein due to nonsense mediated decay, which are commonly known mechanisms for disease. Truncations downstream of this position have been reported in HGMD in association with Menkes syndrome. The variant was absent in 182133 control chromosomes. c.1329delC has been reported in the literature in an individual affected with Menkes Syndrome (Gu_2012). To our knowledge, no experimental evidence demonstrating an impact on protein function has been reported. No clinical diagnostic laboratories have submitted clinical-significance assessments for this variant to ClinVar after 2014. Based on the evidence outlined above, the variant was classified as likely pathogenic.

Inherited Neuropathy Consortium Ii, University Of Miami
Classification: Uncertain significance for Menkes kinky-hair syndrome. Last evaluated: 2016-01-06. Review status: no assertion criteria provided. Collection method: literature only. Allele origin: germline. Affected: yes. Not counted in ClinVar's aggregate classification.

Literature cited by the submitters: PubMed 22361452 (cited by Women's Health and Genetics/Laboratory Corporation of America, LabCorp); PubMed 22019070 (cited by Inherited Neuropathy Consortium Ii, University Of Miami).